The following is an entry in ClinVar:

NM_001371623.1(TCOF1):c.3736C>T (p.Gln1246Ter)

Gene: TCOF1 (treacle ribosome biogenesis factor 1; plus strand). Cytogenetic location: 5q32.
Variant type: single nucleotide variant.
Coding change: c.3736C>T on transcript NM_001371623.1 (MANE Select); coding-DNA position 3736, C replaced by T.
Protein change: p.Gln1246Ter; replaces glutamine 1246 with a stop codon.
Molecular consequence: nonsense.
Genome position (GRCh38, 1-based): chr5:150,393,504, C>T. VCF-style: chr5-150393504-C-T. GRCh37 (hg19) VCF-style: chr5-149773067-C-T.
Other names: c.3502C>T, p.Gln1168Ter (NM_000356.4, NM_001437406.1); c.3733C>T, p.Gln1245Ter (NM_001135243.2); c.3622C>T, p.Gln1208Ter (NM_001135244.2); c.3505C>T, p.Gln1169Ter (NM_001135245.2); c.3619C>T, p.Gln1207Ter (NM_001195141.2); short protein forms Q1245*, Q1168*, Q1208*, Q1169*, Q1246*, Q1207*.
Identifiers: ClinVar variation 4991883 (VCV004991883.1).

ClinVar aggregate classification (germline): Pathogenic (1 of 4 stars; one submission).

Conditions:
TCOF1-related disorder. Also called: TCOF1-related condition.

Submission:

PreventionGenetics, part of Exact Sciences
Classification: Pathogenic for TCOF1-related condition. Last evaluated: 2026-07-13. Review status: criteria provided, single submitter. Criteria: ACMG Guidelines, 2015. Collection method: clinical testing. Allele origin: germline.
Comment: The TCOF1 c.3733C>T variant is predicted to result in premature protein termination (p.Gln1245*). To our knowledge, this variant has not been reported in the literature or in a large population database (gnomAD), indicating this variant is rare. Nonsense variants in TCOF1 are expected to be pathogenic. This variant is interpreted as pathogenic.